The following is an entry in ClinVar:

NM_001276345.2(TNNT2):c.234-2A>G

Gene: TNNT2 (troponin T2, cardiac type; minus strand). Cytogenetic location: 1q32.1.
Variant type: single nucleotide variant.
Coding change: c.234-2A>G on transcript NM_001276345.2 (MANE Select); the canonical splice acceptor site of the intron before coding-DNA position 234, A replaced by G.
Molecular consequence: splice acceptor variant.
Genome position (GRCh38, 1-based): chr1:201,365,672, T>C on the plus strand (A>G on the coding strand, the complement: TNNT2 is on the minus strand). VCF-style: chr1-201365672-T-C. GRCh37 (hg19) VCF-style: chr1-201334800-T-C.
Other names: c.204-2A>G (NM_001406727.1, NM_001406724.1, NM_001001431.3 and 3 more transcripts); c.189-2A>G (NM_001001432.3, NM_001406728.1); c.201-2A>G (NM_001406725.1); c.231-2A>G (NM_001276346.2); c.234-2A>G (NM_000364.4, NM_001406723.1).
Identifiers: ClinVar variation 938678 (VCV000938678.8), dbSNP rs1659534628, ClinGen allele CA344206749.

ClinVar aggregate classification (germline): Uncertain significance (1 of 4 stars; one submission).

Conditions:
Hypertrophic cardiomyopathy 2. Also called: TNNT2-Related Familial Hypertrophic Cardiomyopathy. Identifiers: MedGen C1861864, MONDO:0007266, OMIM 115195.
Dilated cardiomyopathy 1D. Identifiers: Orphanet 154, Orphanet 54260, MedGen C1832243, MONDO:0011095, OMIM 601494.
Cardiomyopathy, familial restrictive, 3. Identifiers: Orphanet 75249, MedGen C2676271, MONDO:0012900, OMIM 612422.

Submission:

Labcorp Genetics (formerly Invitae), Labcorp
Classification: Uncertain significance for Cardiomyopathy, familial restrictive, 3; Hypertrophic cardiomyopathy 2; Dilated cardiomyopathy 1D. Last evaluated: 2019-09-11. Review status: criteria provided, single submitter. Criteria: Invitae Variant Classification Sherloc (09022015). Collection method: clinical testing. Allele origin: germline.
Comment: This sequence change affects an acceptor splice site in intron 7 of the TNNT2 gene. It is expected to disrupt RNA splicing and likely results in an absent or disrupted protein product. This variant is not present in population databases (ExAC no frequency). This variant has not been reported in the literature in individuals with TNNT2-related conditions. Algorithms developed to predict the effect of sequence changes on RNA splicing suggest that this variant may disrupt the consensus splice site, but this prediction has not been confirmed by published transcriptional studies. The current clinical and genetic evidence is not sufficient to establish whether loss-of-function variants in TNNT2 cause disease. In summary, the available evidence is currently insufficient to determine the role of this variant in disease. Therefore, it has been classified as a Variant of Uncertain Significance.